The following is an entry in ClinVar:

NM_003664.5(AP3B1):c.2189G>A (p.Arg730Gln)

Gene: AP3B1 (adaptor related protein complex 3 subunit beta 1; minus strand). Cytogenetic location: 5q14.1.
Variant type: single nucleotide variant.
Coding change: c.2189G>A on transcript NM_003664.5 (MANE Select); coding-DNA position 2189, G replaced by A.
Protein change: p.Arg730Gln; replaces arginine 730 with glutamine.
Molecular consequence: missense variant.
Genome position (GRCh38, 1-based): chr5:78,113,812, C>T on the plus strand (G>A on the coding strand, the complement: AP3B1 is on the minus strand). VCF-style: chr5-78113812-C-T. GRCh37 (hg19) VCF-style: chr5-77409636-C-T.
Other names: c.2189G>A (NM_003664.3); c.2042G>A, p.Arg681Gln (NM_001271769.2); short protein forms R681Q, R730Q.
Identifiers: ClinVar variation 1436953 (VCV001436953.5), dbSNP rs933653334, ClinGen allele CA121082576.

ClinVar aggregate classification (germline): Uncertain significance. Review status: criteria provided, multiple submitters, no conflicts (2 of 4 stars). 3 submissions from 3 submitters: Uncertain significance (3). Last evaluated 2024-07-31.

Conditions:
Inborn genetic diseases. Identifiers: MedGen C0950123, MeSH D030342.
Hermansky-Pudlak syndrome 2 (HPS2). Also called: Platelet defects and oculocutaneous albinism. Identifiers: Orphanet 183678, Orphanet 79430, MedGen C1842362, MONDO:0011997, OMIM 608233.

Allele frequency attached by ClinVar (database versions not stated): gnomAD 0.00001 and 0.00002; gnomAD exomes 0.00001 and 0.00002; TOPMed 0.00001.
gnomAD v4.1: 14 of 1,614,066 alleles (0.00087%); highest among the groups gnomAD compares: Middle Eastern, 0.033%; no homozygotes.

Submissions (3):

Ambry Genetics
Classification: Uncertain significance for Inborn genetic diseases. Last evaluated: 2024-07-31. Review status: criteria provided, single submitter. Criteria: Ambry Variant Classification Scheme 2023. Collection method: clinical testing. Allele origin: germline.

Department of Pathology and Laboratory Medicine, Sinai Health System
Classification: Uncertain significance for Hermansky-Pudlak syndrome 2. Last evaluated: 2023-02-06. Review status: criteria provided, single submitter. Criteria: ACMG Guidelines, 2015. Collection method: research. Allele origin: germline.

Labcorp Genetics (formerly Invitae), Labcorp
Classification: Uncertain significance for Hermansky-Pudlak syndrome 2. Last evaluated: 2021-08-11. Review status: criteria provided, single submitter. Criteria: Invitae Variant Classification Sherloc (09022015). Collection method: clinical testing. Allele origin: germline.
Comment: This sequence change replaces arginine with glutamine at codon 730 of the AP3B1 protein (p.Arg730Gln). The arginine residue is weakly conserved and there is a small physicochemical difference between arginine and glutamine. This variant is not present in population databases (ExAC no frequency). This variant has not been reported in the literature in individuals affected with AP3B1-related conditions. Algorithms developed to predict the effect of missense changes on protein structure and function (SIFT, PolyPhen-2, Align-GVGD) all suggest that this variant is likely to be tolerated. In summary, the available evidence is currently insufficient to determine the role of this variant in disease. Therefore, it has been classified as a Variant of Uncertain Significance.